The following is an entry in ClinVar:

NM_177438.3(DICER1):c.2273G>C (p.Arg758Thr)

Gene: DICER1 (dicer 1, ribonuclease III; minus strand). Cytogenetic location: 14q32.13.
Variant type: single nucleotide variant.
Coding change: c.2273G>C on transcript NM_177438.3 (MANE Select); coding-DNA position 2273, G replaced by C.
Protein change: p.Arg758Thr; replaces arginine 758 with threonine.
Molecular consequence: missense variant. On other transcripts: non-coding transcript variant (6).
Genome position (GRCh38, 1-based): chr14:95,108,487, C>G on the plus strand (G>C on the coding strand, the complement: DICER1 is on the minus strand). VCF-style: chr14-95108487-C-G. GRCh37 (hg19) VCF-style: chr14-95574824-C-G.
Other names: c.2273G>C, p.Arg758Thr (NM_001195573.1, NM_001271282.3, NM_001291628.2 and 12 more transcripts); c.1991G>C, p.Arg664Thr (NM_001395686.1); c.1868G>C, p.Arg623Thr (NM_001395687.1, NM_001395688.1, NM_001395689.1 and 2 more transcripts); c.1706G>C, p.Arg569Thr (NM_001395691.1); c.590G>C, p.Arg197Thr (NM_001395697.1); short protein forms R758T, R197T, R664T, R569T, R623T.
Identifiers: ClinVar variation 4826954 (VCV004826954.1).

ClinVar aggregate classification (germline): Uncertain significance (1 of 4 stars; one submission).

Conditions:
Hereditary cancer-predisposing syndrome. Also called: Neoplastic Syndromes, Hereditary; Tumor predisposition; Hereditary Cancer Syndrome; Hereditary neoplastic syndrome. Identifiers: Orphanet 140162, MedGen C0027672, MeSH D009386, MONDO:0015356.

Submission:

Ambry Genetics
Classification: Uncertain significance for Hereditary cancer-predisposing syndrome. Last evaluated: 2026-02-23. Review status: criteria provided, single submitter. Criteria: Ambry Variant Classification Scheme 2023. Collection method: clinical testing. Allele origin: germline.
Comment: The p.R758T variant (also known as c.2273G>C), located in coding exon 14 of the DICER1 gene, results from a G to C substitution at nucleotide position 2273. The arginine at codon 758 is replaced by threonine, an amino acid with similar properties. This amino acid position is conserved. In addition, the in silico prediction for this alteration is inconclusive. Based on the available evidence, the clinical significance of this variant remains unclear.